The following is an entry in ClinVar:

NM_002230.4(JUP):c.628C>T (p.His210Tyr)

Gene: JUP (junction plakoglobin; minus strand). Cytogenetic location: 17q21.2.
Variant type: single nucleotide variant.
Coding change: c.628C>T on transcript NM_002230.4 (MANE Select); coding-DNA position 628, C replaced by T.
Protein change: p.His210Tyr; replaces histidine 210 with tyrosine.
Molecular consequence: missense variant.
Genome position (GRCh38, 1-based): chr17:41,769,048, G>A on the plus strand (C>T on the coding strand, the complement: JUP is on the minus strand). VCF-style: chr17-41769048-G-A. GRCh37 (hg19) VCF-style: chr17-39925300-G-A.
Other names: c.628C>T, p.His210Tyr (NM_001352774.2, NM_021991.4, NM_001352775.2 and 3 more transcripts); short protein forms H210Y.
Identifiers: ClinVar variation 572872 (VCV000572872.10), dbSNP rs1567818128, ClinGen allele CA399502860.

ClinVar aggregate classification (germline): Uncertain significance. Review status: criteria provided, multiple submitters, no conflicts (2 of 4 stars). 4 submissions from 4 submitters: Uncertain significance (4). Last evaluated 2026-01-27.

Conditions:
Cardiovascular phenotype. Identifiers: MedGen CN230736.
Naxos disease (NXD). Also called: KERATOSIS PALMOPLANTARIS WITH ARRHYTHMOGENIC CARDIOMYOPATHY; MAL DE NAXOS; PALMOPLANTAR KERATODERMA WITH ARRHYTHMOGENIC RIGHT VENTRICULAR CARDIOMYOPATHY AND WOOLLY HAIR; WOOLLY HAIR, PALMOPLANTAR KERATODERMA, AND CARDIAC ABNORMALITIES; CARDIOMYOPATHY, ARRHYTHMOGENIC RIGHT VENTRICULAR, WITH SKIN, HAIR, AND NAIL ABNORMALITIES. Identifiers: Orphanet 34217, MedGen C1832600, MONDO:0011017, OMIM 601214.
Arrhythmogenic right ventricular dysplasia 12. Also called: ARRHYTHMOGENIC RIGHT VENTRICULAR DYSPLASIA, FAMILIAL, 12. Identifiers: MedGen C1969081, MONDO:0012684, OMIM 611528.

Allele frequency attached by ClinVar (database versions not stated): gnomAD 0.00001; gnomAD exomes 0.00002.

Submissions (4):

Labcorp Genetics (formerly Invitae), Labcorp
Classification: Uncertain significance for Arrhythmogenic right ventricular dysplasia 12; Naxos disease. Last evaluated: 2026-01-27. Review status: criteria provided, single submitter. Criteria: Invitae Variant Classification Sherloc (09022015). Collection method: clinical testing. Allele origin: germline.
Comment: This sequence change replaces histidine, which is basic and polar, with tyrosine, which is neutral and polar, at codon 210 of the JUP protein (p.His210Tyr). This variant is not present in population databases (gnomAD no frequency). This variant has not been reported in the literature in individuals affected with JUP-related conditions. ClinVar contains an entry for this variant (Variation ID: 572872). An algorithm developed to predict the effect of missense changes on protein structure and function (PolyPhen-2) suggests that this variant is likely to be disruptive. In summary, the available evidence is currently insufficient to determine the role of this variant in disease. Therefore, it has been classified as a Variant of Uncertain Significance.

Ambry Genetics
Classification: Uncertain significance for Cardiovascular phenotype. Last evaluated: 2021-08-07. Review status: criteria provided, single submitter. Criteria: Ambry Variant Classification Scheme 2023. Collection method: clinical testing. Allele origin: germline.
Comment: The p.H210Y variant (also known as c.628C>T), located in coding exon 3 of the JUP gene, results from a C to T substitution at nucleotide position 628. The histidine at codon 210 is replaced by tyrosine, an amino acid with similar properties. This amino acid position is conserved. In addition, this alteration is predicted to be deleterious by in silico analysis. Since supporting evidence is limited at this time, the clinical significance of this alteration remains unclear.

Fulgent Genetics
Classification: Uncertain significance for Naxos disease; Arrhythmogenic right ventricular dysplasia 12. Last evaluated: 2021-07-20. Review status: criteria provided, single submitter. Criteria: ACMG Guidelines, 2015. Collection method: clinical testing. Allele origin: unknown.

GeneDx
Classification: Uncertain significance. Last evaluated: 2019-06-06. Review status: criteria provided, single submitter. Criteria: GeneDx Variant Classification Process June 2021. Collection method: clinical testing. Allele origin: germline. Affected: yes.
Comment: Has not been previously published as pathogenic or benign to our knowledge; Not observed in large population cohorts (Lek et al., 2016); In silico analysis, which includes protein predictors and evolutionary conservation, supports a deleterious effect